The following is an entry in ClinVar:

NM_025137.4(SPG11):c.440T>G (p.Ile147Ser)

Gene: SPG11 (SPG11 vesicle trafficking associated, spatacsin; minus strand). Cytogenetic location: 15q21.1.
Variant type: single nucleotide variant.
Coding change: c.440T>G on transcript NM_025137.4 (MANE Select); coding-DNA position 440, T replaced by G.
Protein change: p.Ile147Ser; replaces isoleucine 147 with serine.
Molecular consequence: missense variant.
Genome position (GRCh38, 1-based): chr15:44,660,434, A>C on the plus strand (T>G on the coding strand, the complement: SPG11 is on the minus strand). VCF-style: chr15-44660434-A-C. GRCh37 (hg19) VCF-style: chr15-44952632-A-C.
Other names: c.440T>G, p.Ile147Ser (NM_001160227.2); short protein forms I147S.
Identifiers: ClinVar variation 1390369 (VCV001390369.3), dbSNP rs547491883, ClinGen allele CA7535840.

ClinVar aggregate classification (germline): Uncertain significance (1 of 4 stars; one submission).

Conditions:
Hereditary spastic paraplegia 11. Also called: Nakamura Osame syndrome; Autosomal recessive hereditary spastic paraplegia, mental impairment, and thin corpus callosum; SPASTIC PARAPLEGIA, AUTOSOMAL RECESSIVE, COMPLICATED, WITH THIN CORPUS CALLOSUM; SPASTIC PARAPLEGIA, AUTOSOMAL RECESSIVE, WITH MENTAL IMPAIRMENT AND THIN CORPUS CALLOSUM; Spastic paraplegia, mental retardation and thin corpus callosum; Spastic Paraplegia 11. Identifiers: Orphanet 2822, MedGen C1858479, MONDO:0011445, OMIM 604360.

Allele frequency attached by ClinVar (database versions not stated): TOPMed 0.00002; 1000 Genomes Project 30x 0.00016; 1000 Genomes Project 0.00020.
gnomAD v4.1: 20 of 1,613,142 alleles (0.0012%); highest among the groups gnomAD compares: Middle Eastern, 0.017%; no homozygotes.

Submission:

Labcorp Genetics (formerly Invitae), Labcorp
Classification: Uncertain significance for Hereditary spastic paraplegia 11. Last evaluated: 2022-05-01. Review status: criteria provided, single submitter. Criteria: Invitae Variant Classification Sherloc (09022015). Collection method: clinical testing. Allele origin: germline.
Comment: This sequence change replaces isoleucine, which is neutral and non-polar, with serine, which is neutral and polar, at codon 147 of the SPG11 protein (p.Ile147Ser). This variant is present in population databases (rs547491883, gnomAD 0.006%). This variant has not been reported in the literature in individuals affected with SPG11-related conditions. Algorithms developed to predict the effect of missense changes on protein structure and function are either unavailable or do not agree on the potential impact of this missense change (SIFT: "Deleterious"; PolyPhen-2: "Possibly Damaging"; Align-GVGD: "Class C0"). In summary, the available evidence is currently insufficient to determine the role of this variant in disease. Therefore, it has been classified as a Variant of Uncertain Significance.